The following is an entry in ClinVar:

NM_003072.5(SMARCA4):c.1108C>T (p.Arg370Cys)

Gene: SMARCA4 (SWI/SNF related BAF chromatin remodeling complex subunit ATPase 4; plus strand). Cytogenetic location: 19p13.2.
Variant type: single nucleotide variant.
Coding change: c.1108C>T on transcript NM_003072.5 (MANE Select); coding-DNA position 1108, C replaced by T.
Protein change: p.Arg370Cys; replaces arginine 370 with cysteine.
Molecular consequence: missense variant. On other transcripts: non-coding transcript variant (1).
Genome position (GRCh38, 1-based): chr19:10,987,914, C>T. VCF-style: chr19-10987914-C-T. GRCh37 (hg19) VCF-style: chr19-11098590-C-T.
Other names: c.1108C>T, p.Arg370Cys (NM_001128845.2, NM_001128846.2, NM_001128847.4 and 5 more transcripts); short protein forms R370C.
Identifiers: ClinVar variation 480659 (VCV000480659.19), dbSNP rs1436490540, ClinGen allele CA404058940.

ClinVar aggregate classification (germline): Uncertain significance. Review status: criteria provided, multiple submitters, no conflicts (2 of 4 stars). 4 submissions from 4 submitters: Uncertain significance (4). Last evaluated 2025-05-19.

Conditions:
Rhabdoid tumor predisposition syndrome 2 (RTPS2). Identifiers: Orphanet 231108, Orphanet 69077, MedGen C2750074, MONDO:0013224, OMIM 613325.
Intellectual disability, autosomal dominant 16 (CSS4). Also called: COFFIN-SIRIS SYNDROME 4. Identifiers: Orphanet 1465, MedGen C3553249, MONDO:0013821, OMIM 614609.
Hereditary cancer-predisposing syndrome. Also called: Hereditary Cancer Syndrome; Neoplastic Syndromes, Hereditary; Tumor predisposition; Hereditary neoplastic syndrome. Identifiers: Orphanet 140162, MedGen C0027672, MeSH D009386, MONDO:0015356.

Submissions (4):

Labcorp Genetics (formerly Invitae), Labcorp
Classification: Uncertain significance for Rhabdoid tumor predisposition syndrome 2. Last evaluated: 2025-05-19. Review status: criteria provided, single submitter. Criteria: Invitae Variant Classification Sherloc (09022015). Collection method: clinical testing. Allele origin: germline.
Comment: This sequence change replaces arginine, which is basic and polar, with cysteine, which is neutral and slightly polar, at codon 370 of the SMARCA4 protein (p.Arg370Cys). This variant is not present in population databases (gnomAD no frequency). This missense change has been observed in individual(s) with SMARCA4-related conditions (PMID: 37500730). ClinVar contains an entry for this variant (Variation ID: 480659). Invitae Evidence Modeling of protein sequence and biophysical properties (such as structural, functional, and spatial information, amino acid conservation, physicochemical variation, residue mobility, and thermodynamic stability) indicates that this missense variant is expected to disrupt SMARCA4 protein function with a positive predictive value of 95%. In summary, the available evidence is currently insufficient to determine the role of this variant in disease. Therefore, it has been classified as a Variant of Uncertain Significance.

Ambry Genetics
Classification: Uncertain significance for Hereditary cancer-predisposing syndrome. Last evaluated: 2024-12-25. Review status: criteria provided, single submitter. Criteria: Ambry Variant Classification Scheme 2023. Collection method: clinical testing. Allele origin: germline.
Comment: The p.R370C variant (also known as c.1108C>T), located in coding exon 5 of the SMARCA4 gene, results from a C to T substitution at nucleotide position 1108. The arginine at codon 370 is replaced by cysteine, an amino acid with highly dissimilar properties. Missense and in-frame variants in SMARCA4 are known to cause neurodevelopmental disorders; however, such associations with rhabdoid tumor predisposition syndrome including small cell carcinoma of the ovary-hypercalcemic type (SCCOHT) are exceedingly rare (Kosho T et al. Am J Med Genet C Semin Med Genet. 2014 Sep;166C(3):262-75; Jelinic P et al. Nat Genet. 2014 May;46(5):424-6). This amino acid position is highly conserved in available vertebrate species. In addition, this alteration is predicted to be deleterious by in silico analysis. Since supporting evidence is limited at this time, the clinical significance of this alteration remains unclear.

Genome-Nilou Lab
Classification: Uncertain significance for Intellectual disability, autosomal dominant 16. Last evaluated: 2021-07-15. Review status: criteria provided, single submitter. Criteria: ACMG Guidelines, 2015. Collection method: clinical testing. Allele origin: germline. Affected: no.

Fulgent Genetics
Classification: Uncertain significance for Rhabdoid tumor predisposition syndrome 2; Intellectual disability, autosomal dominant 16. Last evaluated: 2018-10-31. Review status: criteria provided, single submitter. Criteria: ACMG Guidelines, 2015. Collection method: clinical testing. Allele origin: unknown.

Literature cited by the submitters: PubMed 37500730 (cited by Labcorp Genetics (formerly Invitae), Labcorp).